The following is an entry in ClinVar:

NM_006361.6(HOXB13):c.692T>A (p.Leu231Gln)

Gene: HOXB13 (homeobox B13; minus strand). Cytogenetic location: 17q21.32.
Variant type: single nucleotide variant.
Coding change: c.692T>A on transcript NM_006361.6 (MANE Select); coding-DNA position 692, T replaced by A.
Protein change: p.Leu231Gln; replaces leucine 231 with glutamine.
Molecular consequence: missense variant.
Genome position (GRCh38, 1-based): chr17:48,726,953, A>T on the plus strand (T>A on the coding strand, the complement: HOXB13 is on the minus strand). VCF-style: chr17-48726953-A-T. GRCh37 (hg19) VCF-style: chr17-46804315-A-T.
Other names: short protein forms L231Q.
Identifiers: ClinVar variation 4035962 (VCV004035962.1).

ClinVar aggregate classification (germline): Uncertain significance (1 of 4 stars; one submission).

Conditions:
Hereditary cancer-predisposing syndrome. Also called: Neoplastic Syndromes, Hereditary; Tumor predisposition; Hereditary neoplastic syndrome; Hereditary Cancer Syndrome. Identifiers: Orphanet 140162, MedGen C0027672, MeSH D009386, MONDO:0015356.

Submission:

Ambry Genetics
Classification: Uncertain significance for Hereditary cancer-predisposing syndrome. Last evaluated: 2025-06-14. Review status: criteria provided, single submitter. Criteria: Ambry Variant Classification Scheme 2023. Collection method: clinical testing. Allele origin: germline.
Comment: The p.L231Q variant (also known as c.692T>A), located in coding exon 2 of the HOXB13 gene, results from a T to A substitution at nucleotide position 692. The leucine at codon 231 is replaced by glutamine, an amino acid with dissimilar properties. This amino acid position is conserved. In addition, this alteration is predicted to be deleterious by in silico analysis. Based on the available evidence, the clinical significance of this variant remains unclear.